The following is an entry in ClinVar:

ClinVar aggregate classification (germline): Uncertain significance. Review status: criteria provided, multiple submitters, no conflicts (2 of 4 stars). 2 submissions from 2 submitters: Uncertain significance (2). Last evaluated 2025-05-07.

Conditions:
Inborn genetic diseases. Identifiers: MedGen C0950123, MeSH D030342.

gnomAD v4.1: 2 of 1,614,092 alleles (0.00012%); highest among the groups gnomAD compares: Non-Finnish European, 0.00017%; no homozygotes.

Submissions (2):

Ambry Genetics
Classification: Uncertain significance for Inborn genetic diseases. Last evaluated: 2025-05-07. Review status: criteria provided, single submitter. Criteria: Ambry Variant Classification Scheme 2023. Collection method: clinical testing. Allele origin: germline.

Labcorp Genetics (formerly Invitae), Labcorp
Classification: Uncertain significance. Last evaluated: 2024-09-04. Review status: criteria provided, single submitter. Criteria: Invitae Variant Classification Sherloc (09022015). Collection method: clinical testing. Allele origin: germline.
Comment: This sequence change replaces proline, which is neutral and non-polar, with arginine, which is basic and polar, at codon 1395 of the COL4A1 protein (p.Pro1395Arg). This variant is not present in population databases (gnomAD no frequency). This variant has not been reported in the literature in individuals affected with COL4A1-related conditions. An algorithm developed to predict the effect of missense changes on protein structure and function (PolyPhen-2) suggests that this variant is likely to be disruptive. In summary, the available evidence is currently insufficient to determine the role of this variant in disease. Therefore, it has been classified as a Variant of Uncertain Significance.

NM_001845.6(COL4A1):c.4184C>G (p.Pro1395Arg)

Gene: COL4A1 (collagen type IV alpha 1 chain; minus strand). Cytogenetic location: 13q34.
Variant type: single nucleotide variant.
Coding change: c.4184C>G on transcript NM_001845.6 (MANE Select); coding-DNA position 4184, C replaced by G.
Protein change: p.Pro1395Arg; replaces proline 1395 with arginine.
Molecular consequence: missense variant.
Genome position (GRCh38, 1-based): chr13:110,163,528, G>C on the plus strand (C>G on the coding strand, the complement: COL4A1 is on the minus strand). VCF-style: chr13-110163528-G-C. GRCh37 (hg19) VCF-style: chr13-110815875-G-C.
Other names: c.4184C>G (NM_001845.4); short protein forms P1395R.
Identifiers: ClinVar variation 3700060 (VCV003700060.3).
Genomic context (GRCh38, chr13:110,163,528, plus strand): 5'-GGCCCGGCAGGTCCCATCTCTCCTTTCTGGCCAGGGGCACCGTCAAACCCAGGAATACCT[G>C]GAGGTCCAGGTATACCCACCAATCCTGTAACACCTGAGGCAGAGGAAAAATAATTTATGA-3'
Protein context (NP_001836.3, residues 1385-1405): VTGLVGIPGP[Pro1395Arg]GIPGFDGAPG